The following is an entry in ClinVar:

NM_000327.4(ROM1):c.578G>A (p.Arg193Gln)

Gene: ROM1 (retinal outer segment membrane protein 1; plus strand). Cytogenetic location: 11q12.3.
Variant type: single nucleotide variant.
Coding change: c.578G>A on transcript NM_000327.4 (MANE Select); coding-DNA position 578, G replaced by A.
Protein change: p.Arg193Gln; replaces arginine 193 with glutamine.
Molecular consequence: missense variant.
Genome position (GRCh38, 1-based): chr11:62,613,859, G>A. VCF-style: chr11-62613859-G-A. GRCh37 (hg19) VCF-style: chr11-62381331-G-A.
Other names: short protein forms R193Q.
Identifiers: ClinVar variation 4753018 (VCV004753018.2).

ClinVar aggregate classification (germline): Uncertain significance. Review status: criteria provided, multiple submitters, no conflicts (2 of 4 stars). 2 submissions from 2 submitters: Uncertain significance (2). Last evaluated 2025-09-18.

Submissions (2):

Labcorp Genetics (formerly Invitae), Labcorp
Classification: Uncertain significance. Last evaluated: 2025-09-18. Review status: criteria provided, single submitter. Criteria: Invitae Variant Classification Sherloc (09022015). Collection method: clinical testing. Allele origin: germline.
Comment: This sequence change replaces arginine, which is basic and polar, with glutamine, which is neutral and polar, at codon 193 of the ROM1 protein (p.Arg193Gln). This variant is present in population databases (rs761327258, gnomAD 0.004%). This variant has not been reported in the literature in individuals affected with ROM1-related conditions. Invitae Evidence Modeling of protein sequence and biophysical properties (such as structural, functional, and spatial information, amino acid conservation, physicochemical variation, residue mobility, and thermodynamic stability) indicates that this missense variant is not expected to disrupt ROM1 protein function with a negative predictive value of 80%. In summary, the available evidence is currently insufficient to determine the role of this variant in disease. Therefore, it has been classified as a Variant of Uncertain Significance.

Blueprint Genetics
Classification: Uncertain significance. Last evaluated: 2022-08-13. Review status: criteria provided, single submitter. Criteria: ACMG Guidelines, 2015. Collection method: clinical testing. Allele origin: germline.